The following is an entry in ClinVar:

NM_001077653.2(TBX20):c.354C>T (p.Thr118=)

Gene: TBX20 (T-box transcription factor 20; minus strand). Cytogenetic location: 7p14.2.
Variant type: single nucleotide variant.
Coding change: c.354C>T on transcript NM_001077653.2 (MANE Select); coding-DNA position 354, C replaced by T.
Protein change: p.Thr118=; no amino-acid change (threonine 118 retained).
Molecular consequence: synonymous variant.
Genome position (GRCh38, 1-based): chr7:35,249,977, G>A on the plus strand (C>T on the coding strand, the complement: TBX20 is on the minus strand). VCF-style: chr7-35249977-G-A. GRCh37 (hg19) VCF-style: chr7-35289589-G-A.
Other names: c.354C>T, p.Thr118= (NM_001166220.1, LRG_755t1).
Identifiers: ClinVar variation 518834 (VCV000518834.13), dbSNP rs759589726, ClinGen allele CA4217537.

ClinVar aggregate classification (germline): Likely benign. Review status: criteria provided, multiple submitters, no conflicts (2 of 4 stars). 3 submissions from 3 submitters: Likely benign (2). 1 of the submissions does not count toward it. Last evaluated 2025-12-01.

Conditions:
Cardiovascular phenotype. Identifiers: MedGen CN230736.
TBX20-related disorder. Also called: TBX20-related condition.

Allele frequency attached by ClinVar (database versions not stated): TOPMed 0.00003; ExAC 0.00001; gnomAD 0.00001; gnomAD exomes 0.00001 and 0.00002.
gnomAD v4.1: 16 of 1,609,420 alleles (0.00099%); highest among the groups gnomAD compares: Admixed American, 0.013%; no homozygotes.

Submissions (3):

Labcorp Genetics (formerly Invitae), Labcorp
Classification: Likely benign. Last evaluated: 2025-12-01. Review status: criteria provided, single submitter. Criteria: Invitae Variant Classification Sherloc (09022015). Collection method: clinical testing. Allele origin: germline.

Ambry Genetics
Classification: Likely benign for Cardiovascular phenotype. Last evaluated: 2016-12-29. Review status: criteria provided, single submitter. Criteria: Ambry Variant Classification Scheme 2023. Collection method: clinical testing. Allele origin: germline.

PreventionGenetics, part of Exact Sciences
Classification: Likely benign for TBX20-related condition. Last evaluated: 2024-08-08. Review status: no assertion criteria provided. Collection method: clinical testing. Allele origin: germline. Not counted in ClinVar's aggregate classification.
Comment: This variant is classified as likely benign based on ACMG/AMP sequence variant interpretation guidelines (Richards et al. 2015 PMID: 25741868, with internal and published modifications).